The following is an entry in ClinVar:

ClinVar aggregate classification (germline): Conflicting classifications of pathogenicity. Review status: criteria provided, conflicting classifications (1 of 4 stars). 5 submissions from 5 submitters: Uncertain significance (3); Likely benign (2). Last evaluated 2025-07-02.

Conditions:
TTN-related disorder. Also called: TTN-related condition; TTN-related disease; TTN-related disorders.
Cardiovascular phenotype. Identifiers: MedGen CN230736.
Autosomal recessive limb-girdle muscular dystrophy type 2J (LGMDR10). Also called: Limb-girdle muscular dystrophy, type 2J; MUSCULAR DYSTROPHY, LIMB-GIRDLE, AUTOSOMAL RECESSIVE 10. Identifiers: Orphanet 140922, MedGen C1837342, MONDO:0012127, OMIM 608807.
Dilated cardiomyopathy 1G (CMD1G). Identifiers: Orphanet 154, MedGen C1858763, MONDO:0011400, OMIM 604145.

Allele frequency attached by ClinVar (database versions not stated): gnomAD exomes 0.00004 and 0.00008; gnomAD 0.00011 and 0.00012; ExAC 0.00012; TOPMed 0.00014.
gnomAD v4.1: 72 of 1,613,426 alleles (0.0045%); highest among the groups gnomAD compares: African/African-American, 0.044%; no homozygotes.

Submissions (5):

PreventionGenetics, part of Exact Sciences
Classification: Uncertain significance for TTN-related condition. Last evaluated: 2025-07-02. Review status: criteria provided, single submitter. Criteria: ACMG Guidelines, 2015. Collection method: clinical testing. Allele origin: germline.
Comment: The TTN c.81464T>C variant is predicted to result in the amino acid substitution p.Ile27155Thr. To our knowledge, this variant has not been reported in the literature. This variant is reported in 0.025% of alleles in individuals of African descent in gnomAD. At this time, the clinical significance of this variant is uncertain due to the absence of conclusive functional and genetic evidence.

Blueprint Genetics
Classification: Likely benign. Last evaluated: 2024-05-22. Review status: criteria provided, single submitter. Criteria: ACMG Guidelines, 2015. Collection method: clinical testing. Allele origin: germline.

Ambry Genetics
Classification: Likely benign for Cardiovascular phenotype. Last evaluated: 2020-03-20. Review status: criteria provided, single submitter. Criteria: Ambry Variant Classification Scheme 2023. Collection method: clinical testing. Allele origin: germline.

Labcorp Genetics (formerly Invitae), Labcorp
Classification: Uncertain significance for Dilated cardiomyopathy 1G; Autosomal recessive limb-girdle muscular dystrophy type 2J. Last evaluated: 2017-10-25. Review status: criteria provided, single submitter. Criteria: Invitae Variant Classification Sherloc (09022015). Collection method: clinical testing. Allele origin: germline.

Laboratory for Molecular Medicine, Mass General Brigham Personalized Medicine
Classification: Uncertain significance. Last evaluated: 2012-10-31. Review status: criteria provided, single submitter. Criteria: LMM Criteria. Collection method: clinical testing. Allele origin: germline. Observed: 1 variant allele.
Comment: The Ile24587Thr variant in TTN has not been reported in the literature nor previ ously identified by our laboratory or in large and broad European American and A frican American populations screened by the NHLBI Exome Sequencing Project. This data is insufficient to assess the clinica l significance of this variant. The affected amino acid is not well conserved in evolution, suggesting that a change would be tolerated but additional informati on is needed to fully assess the clinical significance of the Ile24587Thr varian t.

NM_001267550.2(TTN):c.81464T>C (p.Ile27155Thr)

Genes: TTN (titin; minus strand), TTN-AS1 (TTN antisense RNA 1; plus strand). Cytogenetic location: 2q31.2.
Variant type: single nucleotide variant.
Coding change: c.81464T>C on transcript NM_001267550.2 (MANE Select); coding-DNA position 81464, T replaced by C.
Protein change: p.Ile27155Thr; replaces isoleucine 27155 with threonine.
Molecular consequence: missense variant.
Genome position (GRCh38, 1-based): chr2:178,564,668, A>G on the plus strand (T>C on the coding strand, the complement: TTN is on the minus strand). VCF-style: chr2-178564668-A-G. GRCh37 (hg19) VCF-style: chr2-179429395-A-G.
Other names: c.54269T>C, p.Ile18090Thr (NM_003319.4); c.73760T>C, p.Ile24587Thr (NM_133378.4); c.76541T>C, p.Ile25514Thr (NM_001256850.1); c.54644T>C, p.Ile18215Thr (NM_133432.3); c.54845T>C, p.Ile18282Thr (NM_133437.4); short protein forms I27155T, I24587T, I18090T, I18282T, I25514T, I18215T.
Identifiers: ClinVar variation 47396 (VCV000047396.24), dbSNP rs397517720, ClinGen allele CA140878.
Genomic context (GRCh38, chr2:178,564,668, plus strand): 5'-CCAGGTGGGTCACATGGATCACGAGCAACAAAGCATTCTGACACTTTGCTAGGCTTGCCA[A>G]TGCCAACAATATTTTCAGCAGAAACTTTGAACTCATACTCAAGGCCCTCATCAAGCCCAG-3'
Protein context (NP_001254479.2, residues 27145-27165): FKVSAENIVG[Ile27155Thr]GKPSKVSECF